The following is an entry in ClinVar:

ClinVar aggregate classification (germline): Pathogenic (1 of 4 stars; one submission).

Conditions:
Myopathy with tubular aggregates (TAM). Also called: Tubular Aggregate Myopathy. Identifiers: Orphanet 2593, MedGen C0410207, MONDO:0008051.

Submission:

Muscle and Diseases Team, Institut de Génétique et Biologie Moléculaire et Cellulaire
Classification: Pathogenic for Myopathy with tubular aggregates. Last evaluated: 2024-03-01. Review status: criteria provided, single submitter. Criteria: ACMG Guidelines, 2015. Collection method: research. Allele origin: paternal. Affected: yes. Observed: 1 variant allele.
Comment: PS3+PM2+PM6+PP2+PP3

Literature cited by the submitters: DOI 10.1186/s13073-024-01353-0; PubMed 29039140.

NM_001231.5(CASQ1):c.166A>T (p.Asn56Tyr)

Gene: CASQ1 (calsequestrin 1; plus strand). Cytogenetic location: 1q23.2.
Variant type: single nucleotide variant.
Coding change: c.166A>T on transcript NM_001231.5 (MANE Select); coding-DNA position 166, A replaced by T.
Protein change: p.Asn56Tyr; replaces asparagine 56 with tyrosine.
Molecular consequence: missense variant.
Genome position (GRCh38, 1-based): chr1:160,190,917, A>T. VCF-style: chr1-160190917-A-T. GRCh37 (hg19) VCF-style: chr1-160160707-A-T.
Other names: short protein forms N56Y.
Identifiers: ClinVar variation 3233253 (VCV003233253.2), dbSNP rs2525040830.